The following is an entry in ClinVar:

NC_000019.10:g.4117434_4117435delinsAC

Gene: MAP2K2 (mitogen-activated protein kinase kinase 2; minus strand). Cytogenetic location: 19p13.3.
Variant type: Indel.
Genome position: GRCh38 VCF-style: chr19-4117434-GA-AC. GRCh37 (hg19) VCF-style: chr19-4117432-GA-AC.
Other names: c.287_288delinsGT, p.Leu96Arg (NM_030662.4); short protein forms L96R.
Identifiers: ClinVar variation 46231 (VCV000046231.26), dbSNP rs397517412, ClinGen allele CA137925.
Genomic context (GRCh38, chr19:4,117,434, plus strand): 5'-ACCTTCCCCACCACTCCCCGACCTCCCCGACCCCGCAGTGCTCACCTTCCTGGCCATGAT[GA>AC]GGCCCGAGGGTCTGTGCTGGACTTTGGTGACCACCCCGCCGTTGCCCGCGCCCAGCTCTG-3'

ClinVar aggregate classification (germline): Uncertain significance. Review status: criteria provided, multiple submitters, no conflicts (2 of 4 stars). 2 submissions from 2 submitters: Uncertain significance (2). Last evaluated 2023-12-01.

Submissions (2):

CeGaT Center for Human Genetics Tuebingen
Classification: Uncertain significance. Last evaluated: 2023-12-01. Review status: criteria provided, single submitter. Criteria: CeGaT Center For Human Genetics Tuebingen Variant Classification Criteria Version 2. Collection method: clinical testing. Allele origin: germline. Affected: yes. Observed: 1 variant allele.
Comment: MAP2K2: PM2, PS2:Moderate

Laboratory for Molecular Medicine, Mass General Brigham Personalized Medicine
Classification: Uncertain significance. Last evaluated: 2012-10-16. Review status: criteria provided, single submitter. Criteria: LMM Criteria. Collection method: clinical testing. Allele origin: germline. Observed: 1 variant allele.
Comment: The Leu96Arg variant in MEK2 has not been reported in the literature nor previou sly identified in our laboratory. Computational analyses (biochemical amino acid properties, conservation, AlignGVGD, PolyPhen2, and SIFT) suggest that the Leu9 6Arg variant may impact the protein, though this information is not predictive e nough to determine pathogenicity. In summary, additional information is needed to fully assess the clinical significance of the Leu96Arg variant.